The following is an entry in ClinVar:

ClinVar aggregate classification (germline): Uncertain significance (1 of 4 stars; one submission).

Allele frequency attached by ClinVar (database versions not stated): gnomAD exomes below 0.00001.
gnomAD v4.1: 1 of 1,613,900 alleles (0.000062%); highest among the groups gnomAD compares: Admixed American, 0.0017%; no homozygotes.

Submission:

Labcorp Genetics (formerly Invitae), Labcorp
Classification: Uncertain significance. Last evaluated: 2023-11-19. Review status: criteria provided, single submitter. Criteria: Invitae Variant Classification Sherloc (09022015). Collection method: clinical testing. Allele origin: germline.
Comment: This sequence change replaces isoleucine, which is neutral and non-polar, with valine, which is neutral and non-polar, at codon 215 of the EIF2AK3 protein (p.Ile215Val). This variant is present in population databases (no rsID available, gnomAD 0.003%). This variant has not been reported in the literature in individuals affected with EIF2AK3-related conditions. An algorithm developed to predict the effect of missense changes on protein structure and function (PolyPhen-2) suggests that this variant is likely to be tolerated. In summary, the available evidence is currently insufficient to determine the role of this variant in disease. Therefore, it has been classified as a Variant of Uncertain Significance.

NM_004836.7(EIF2AK3):c.643A>G (p.Ile215Val)

Gene: EIF2AK3 (eukaryotic translation initiation factor 2 alpha kinase 3; minus strand). Cytogenetic location: 2p11.2.
Variant type: single nucleotide variant.
Coding change: c.643A>G on transcript NM_004836.7 (MANE Select); coding-DNA position 643, A replaced by G.
Protein change: p.Ile215Val; replaces isoleucine 215 with valine.
Molecular consequence: missense variant.
Genome position (GRCh38, 1-based): chr2:88,593,396, T>C on the plus strand (A>G on the coding strand, the complement: EIF2AK3 is on the minus strand). VCF-style: chr2-88593396-T-C. GRCh37 (hg19) VCF-style: chr2-88892914-T-C.
Other names: c.190A>G, p.Ile64Val (NM_001313915.2); short protein forms I215V, I64V.
Identifiers: ClinVar variation 2834831 (VCV002834831.3), dbSNP rs1235805014, ClinGen allele CA347596548.